The following is an entry in ClinVar:

NM_001372066.1(TFAP2A):c.973C>T (p.Arg325Ter)

Gene: TFAP2A (transcription factor AP-2 alpha; minus strand). Cytogenetic location: 6p24.3.
Variant type: single nucleotide variant.
Coding change: c.973C>T on transcript NM_001372066.1 (MANE Select); coding-DNA position 973, C replaced by T.
Protein change: p.Arg325Ter; replaces arginine 325 with a stop codon.
Molecular consequence: nonsense.
Genome position (GRCh38, 1-based): chr6:10,400,506, G>A on the plus strand (C>T on the coding strand, the complement: TFAP2A is on the minus strand). VCF-style: chr6-10400506-G-A. GRCh37 (hg19) VCF-style: chr6-10400739-G-A.
Other names: c.949C>T, p.Arg317Ter (NM_001032280.3); c.955C>T, p.Arg319Ter (NM_001042425.3); short protein forms R317*, R325*, R319*.
Identifiers: ClinVar variation 2844077 (VCV002844077.4), dbSNP rs1761968190, ClinGen allele CA362700102.
Genomic context (GRCh38, chr6:10,400,506, plus strand): 5'-ACTTTGTAGCCAGGAGCATGTTTTTTCTTGTCACTTGCTCATTGGGATCGGAATGTTGTC[G>A]GTTGAGAAATTCAGCTACTGCTTTGGCAGGAAATTCGGTTTCGCACACGTACCCAAAGTC-3'

ClinVar aggregate classification (germline): Pathogenic. Review status: criteria provided, multiple submitters, no conflicts (2 of 4 stars). 2 submissions from 2 submitters: Pathogenic (2). Last evaluated 2025-01-08.

Conditions:
Branchiooculofacial syndrome (BOFS). Also called: Branchio-Oculo-Facial Syndrome; BOF SYNDROME; HEMANGIOMATOUS BRANCHIAL CLEFTS-LIP PSEUDOCLEFT SYNDROME; LIP PSEUDOCLEFT-HEMANGIOMATOUS BRANCHIAL CYST SYNDROME. Identifiers: Orphanet 1297, MedGen C0376524, MeSH D019280, MONDO:0007235, OMIM 113620.

Allele frequency attached by ClinVar (database versions not stated): TOPMed below 0.00001; gnomAD 0.00001.
gnomAD v4.1: 1 of 1,614,000 alleles (0.000062%); highest among the groups gnomAD compares: Non-Finnish European, 0.000085%; no homozygotes.

Submissions (2):

3billion
Classification: Pathogenic for Branchiooculofacial syndrome. Last evaluated: 2025-01-08. Review status: criteria provided, single submitter. Criteria: ACMG Guidelines, 2015. Collection method: clinical testing. Allele origin: germline. Affected: yes.
Comment: The variant is observed at an extremely low frequency in the gnomAD v4.1.0 dataset (total allele frequency: <0.001%). Predicted Consequence/Location: Stop-gained (nonsense): predicted to result in a loss or disruption of normal protein function through nonsense-mediated decay (NMD) or protein truncation. Multiple pathogenic variants are reported downstream of the variant. The variant has been reported to be associated with TFAP2A-related disorder (ClinVar ID: VCV002844077). Therefore, this variant is classified as Pathogenic according to the recommendation of ACMG/AMP guideline.

Labcorp Genetics (formerly Invitae), Labcorp
Classification: Pathogenic. Last evaluated: 2023-08-23. Review status: criteria provided, single submitter. Criteria: Invitae Variant Classification Sherloc (09022015). Collection method: clinical testing. Allele origin: germline.
Comment: For these reasons, this variant has been classified as Pathogenic. This variant has not been reported in the literature in individuals affected with TFAP2A-related conditions. This variant is not present in population databases (gnomAD no frequency). This sequence change creates a premature translational stop signal (p.Arg323*) in the TFAP2A gene. It is expected to result in an absent or disrupted protein product. Loss-of-function variants in TFAP2A are known to be pathogenic (PMID: 8622766, 20150232, 21204207, 21539471, 21728810).

Literature cited by the submitters: PubMed 8622766 (cited by Labcorp Genetics (formerly Invitae), Labcorp); PubMed 20150232 (cited by Labcorp Genetics (formerly Invitae), Labcorp); PubMed 21204207 (cited by Labcorp Genetics (formerly Invitae), Labcorp); PubMed 21539471 (cited by Labcorp Genetics (formerly Invitae), Labcorp); PubMed 21728810 (cited by Labcorp Genetics (formerly Invitae), Labcorp).